The following is an entry in ClinVar:

ClinVar aggregate classification (germline): Pathogenic. Review status: criteria provided, multiple submitters, no conflicts (2 of 4 stars). 5 submissions from 5 submitters: Pathogenic (5). Last evaluated 2025-12-14.

Conditions:
Hereditary cancer-predisposing syndrome. Also called: Neoplastic Syndromes, Hereditary; Hereditary Cancer Syndrome; Hereditary neoplastic syndrome; Tumor predisposition. Identifiers: Orphanet 140162, MedGen C0027672, MeSH D009386, MONDO:0015356.
Hereditary leiomyomatosis and renal cell cancer. Also called: MULTIPLE CUTANEOUS AND UTERINE LEIOMYOMATA 1, WITH OR WITHOUT RENAL CELL CARCINOMA; Familial leiomyomatosis; LEIOMYOMA, MULTIPLE CUTANEOUS; FH tumor predisposition syndrome; Multiple cutaneous leiomyomas; Reed syndrome. Identifiers: Orphanet 523, MedGen C1708350, MONDO:0007888, OMIM 150800, HP:0007437. Disease mechanism: loss of function.

Submissions (5):

Labcorp Genetics (formerly Invitae), Labcorp
Classification: Pathogenic. Last evaluated: 2025-12-14. Review status: criteria provided, single submitter. Criteria: Invitae Variant Classification Sherloc (09022015). Collection method: clinical testing. Allele origin: germline.
Comment: This sequence change creates a premature translational stop signal (p.Asn446Argfs*20) in the FH gene. While this is not anticipated to result in nonsense mediated decay, it is expected to disrupt the last 65 amino acid(s) of the FH protein. This variant is not present in population databases (gnomAD no frequency). This premature translational stop signal has been observed in individual(s) with clinical features of FH-related conditions (PMID: 21520333). ClinVar contains an entry for this variant (Variation ID: 422542). This variant disrupts a region of the FH protein in which other variant(s) (p.Ala468Glyfs*6, p.Ser480Lysfs*6) have been determined to be pathogenic (PMID: 12772087, 16597677, 21404119; internal data). This suggests that this is a clinically significant region of the protein, and that variants that disrupt it are likely to be disease-causing. For these reasons, this variant has been classified as Pathogenic.

GeneDx
Classification: Pathogenic. Last evaluated: 2024-06-10. Review status: criteria provided, single submitter. Criteria: GeneDx Variant Classification Process June 2021. Collection method: clinical testing. Allele origin: germline. Affected: yes.
Comment: Frameshift variant predicted to result in protein truncation or nonsense mediated decay in a gene for which loss of function is a known mechanism of disease; Not observed at significant frequency in large population cohorts (gnomAD); Has not been previously published as pathogenic or benign to our knowledge; This variant is associated with the following publications: (PMID: 21520333)

Ambry Genetics
Classification: Pathogenic for Hereditary cancer-predisposing syndrome. Last evaluated: 2023-11-22. Review status: criteria provided, single submitter. Criteria: Ambry Variant Classification Scheme 2023. Collection method: clinical testing. Allele origin: germline.
Comment: The c.1294_1336dup43 pathogenic mutation, located in coding exon 9 of the FH gene, results from a duplication of GAAAACTGCGTGGTGGGAATCCAGGCCAATACAGAAAGGATCA at nucleotide position 1294, causing a translational frameshift with a predicted alternate stop codon (p.N446Rfs*20). This alteration occurs at the 3' terminus of theFH gene, is not expected to trigger nonsense-mediated mRNA decay, and only impacts the last 65 amino acids of the protein. However, premature stop codons are typically deleterious in nature and the impacted region is critical for protein function (Ambry internal data). This variant is considered to be rare based on population cohorts in the Genome Aggregation Database (gnomAD). Based on the supporting evidence, this alteration is interpreted as a disease-causing mutation.

Women's Health and Genetics/Laboratory Corporation of America, LabCorp
Classification: Pathogenic for Hereditary leiomyomatosis and renal cell cancer. Last evaluated: 2023-03-27. Review status: criteria provided, single submitter. Criteria: LabCorp Variant Classification Summary - May 2015. Collection method: clinical testing. Allele origin: germline.
Comment: Variant summary: FH c.1294_1336dup43 (p.Asn446ArgfsX20) results in a premature termination codon, predicted to cause a truncation of the encoded protein due to escape of nonsense mediated decay (NMD). Truncations downstream of this position have been observed in association with Hereditary Leiomyomatosis And Renal Cell Cancer (HGMD database). The variant was absent in 251412 control chromosomes. To our knowledge, no occurrence of c.1294_1336dup43 in individuals affected with Hereditary Leiomyomatosis And Renal Cell Cancer and no experimental evidence demonstrating its impact on protein function have been reported. Three clinical diagnostic laboratories have submitted clinical-significance assessments for this variant to ClinVar after 2014 without evidence for independent evaluation. All laboratories classified the variant as pathogenic. Based on the evidence outlined above, the variant was classified as pathogenic.

Myriad Genetics, Inc.
Classification: Pathogenic for Hereditary leiomyomatosis and renal cell cancer. Last evaluated: 2023-01-11. Review status: criteria provided, single submitter. Criteria: Myriad Autosomal Dominant, Autosomal Recessive and X-Linked Classification Criteria (2023). Collection method: clinical testing. Allele origin: unknown.
Comment: This variant is considered pathogenic. This variant creates a frameshift predicted to result in premature protein truncation.

Literature cited by the submitters: PubMed 21520333 (cited by Labcorp Genetics (formerly Invitae), Labcorp); PubMed 12772087 (cited by Labcorp Genetics (formerly Invitae), Labcorp); PubMed 16597677 (cited by Labcorp Genetics (formerly Invitae), Labcorp); PubMed 21404119 (cited by Labcorp Genetics (formerly Invitae), Labcorp).

NM_000143.4(FH):c.1294_1336dup (p.Asn446fs)

Gene: FH (fumarate hydratase; minus strand). Cytogenetic location: 1q43.
Variant type: Duplication.
Coding change: c.1294_1336dup on transcript NM_000143.4 (MANE Select); coding-DNA positions 1294 to 1336, 43 bases duplicated.
Protein change: p.Asn446fs; shifts the reading frame from asparagine 446.
Molecular consequence: frameshift variant.
Genome position (GRCh38, 1-based): chr1:241,500,491-241,500,533, 43 bases duplicated; duplicating any 43 consecutive bases within chr1:241,500,491-241,500,535 gives the same sequence; the c. name uses the placement nearest the transcript's 3' end. GRCh37 (hg19): chr1:241,663,793-241,663,835.
Other names: c.1294_1336dupGAAAACTGCGTGGTGGGAATCCAGGCCAATACAGAAAGGATCA (NM_000143.3); short protein forms N446fs.
Identifiers: ClinVar variation 422542 (VCV000422542.17), dbSNP rs1553340686, ClinGen allele CA16617114.
Genomic context (GRCh38, chr1:241,500,490, plus strand): 5'-CACTTACCTATATGAGGATTGAGAGCTGTCACCAACATTAGAGACTCATTCATCAGCTTG[T>TTGATCCTTTCTGTATTGGCCTGGATTCCCACCACGCAGTTTTC]TGATCCTTTCTGTATTGGCCTGGATTCCCACCACGCAGTTTTCTGTAAAGGAAACTGAAG-3'